The following is an entry in ClinVar:

ClinVar aggregate classification (germline): Pathogenic (1 of 4 stars; one submission).

Conditions:
Short-rib thoracic dysplasia 6 with or without polydactyly (SRTD6). Also called: POLYDACTYLY WITH NEONATAL CHONDRODYSTROPHY, TYPE II; Majewski Syndrome; SHORT RIB-POLYDACTYLY SYNDROME, TYPE IIA; SHORT-RIB THORACIC DYSPLASIA 6 WITH POLYDACTYLY; SHORT-RIB THORACIC DYSPLASIA 6 WITHOUT POLYDACTYLY. Identifiers: MedGen C0024507, MONDO:0009894, OMIM 263520.

Submission:

3billion
Classification: Pathogenic for Short-rib thoracic dysplasia 6 with or without polydactyly. Last evaluated: 2022-03-22. Review status: criteria provided, single submitter. Criteria: ACMG Guidelines, 2015. Collection method: clinical testing. Allele origin: germline. Affected: yes. Observed: 1 homozygote.
Comment: Stop-gained (nonsense): predicted to result in a loss or disruption of normal protein function through nonsense-mediated decay (NMD) or protein truncation. Multiple pathogenic variants are reported downstream of the variant.It is not observed in the gnomAD v2.1.1 dataset. Therefore, this variant is classified as pathogenic according to the recommendation of ACMG/AMP guideline.

NM_001199397.3(NEK1):c.3191C>G (p.Ser1064Ter)

Gene: NEK1 (NIMA related kinase 1; minus strand). Cytogenetic location: 4q33.
Variant type: single nucleotide variant.
Coding change: c.3191C>G on transcript NM_001199397.3 (MANE Select); coding-DNA position 3191, C replaced by G.
Protein change: p.Ser1064Ter; replaces serine 1064 with a stop codon.
Molecular consequence: nonsense. On other transcripts: non-coding transcript variant (1).
Genome position (GRCh38, 1-based): chr4:169,424,584, G>C on the plus strand (C>G on the coding strand, the complement: NEK1 is on the minus strand). VCF-style: chr4-169424584-G-C. GRCh37 (hg19) VCF-style: chr4-170345735-G-C.
Other names: c.3107C>G, p.Ser1036Ter (NM_001374419.1, NM_012224.4); c.3056C>G, p.Ser1019Ter (NM_001374420.1); c.2708C>G, p.Ser903Ter (NM_001374421.1); c.3059C>G, p.Ser1020Ter (NM_001199398.3); c.2900C>G, p.Ser967Ter (NM_001199399.3); c.2975C>G, p.Ser992Ter (NM_001199400.3); c.3191C>G, p.Ser1064Ter (NM_001374418.1); short protein forms S1019*, S1020*, S1036*, S1064*, S903*, S967*, S992*.
Identifiers: ClinVar variation 1526104 (VCV001526104.1), dbSNP rs2111335168, ClinGen allele CA358801167.
Genomic context (GRCh38, chr4:169,424,584, plus strand): 5'-AATATTTTCCACTTGAGGACCATACTTGCCTTTGGGTTGTTTGCATCAAACAGACCAGTT[G>C]AAAGTCCAATCAGCAAGGAATTCTTGTTTTTATTTTTTGGTGGTAAATGCGAGTGAGATC-3'